The following is an entry in ClinVar:

NM_001164508.2(NEB):c.12356G>A (p.Trp4119Ter)

Gene: NEB (nebulin; minus strand). Cytogenetic location: 2q23.3.
Variant type: single nucleotide variant.
Coding change: c.12356G>A on transcript NM_001164508.2 (MANE Select); coding-DNA position 12356, G replaced by A.
Protein change: p.Trp4119Ter; replaces tryptophan 4119 with a stop codon.
Molecular consequence: nonsense. On other transcripts: intron variant (1).
Genome position (GRCh38, 1-based): chr2:151,608,651, C>T on the plus strand (G>A on the coding strand, the complement: NEB is on the minus strand). VCF-style: chr2-151608651-C-T. GRCh37 (hg19) VCF-style: chr2-152465165-C-T.
Other names: c.12356G>A, p.Trp4119Ter (NM_001164507.2, NM_001271208.2); c.11601+1158G>A (NM_004543.5); short protein forms W4119*.
Identifiers: ClinVar variation 1391730 (VCV001391730.8), dbSNP rs2153960793, ClinGen allele CA348776245.

ClinVar aggregate classification (germline): Pathogenic (1 of 4 stars; one submission).

Conditions:
Nemaline myopathy 2 (NEM2). Also called: Nemaline myopathy 2, autosomal recessive. Identifiers: MedGen C1850569, MONDO:0009725, OMIM 256030.

Submission:

Labcorp Genetics (formerly Invitae), Labcorp
Classification: Pathogenic for Nemaline myopathy 2. Last evaluated: 2021-05-08. Review status: criteria provided, single submitter. Criteria: Invitae Variant Classification Sherloc (09022015). Collection method: clinical testing. Allele origin: germline.
Comment: For these reasons, this variant has been classified as Pathogenic. This variant has not been reported in the literature in individuals with NEB-related conditions. The frequency data for this variant in the population databases (ExAC) is considered unreliable due to the presence of homologous sequence, such as pseudogenes or paralogs, in the genome. This sequence change creates a premature translational stop signal (p.Trp4119*) in the NEB gene. It is expected to result in an absent or disrupted protein product. Loss-of-function variants in NEB are known to be pathogenic (PMID: 25205138). This variant occurs in a region of NEB (Exons 82-105) consisting of three highly homologous 8-exon repeat units (exons 82-89, exons 90-97, exons 98-105). Sequence variants in this region can be detected, but this assay cannot determine which of the three repeat units is affected, and zygosity is often ambiguous. All variants in this region are reported relative to the exon 82-89 repeat

Literature cited by the submitters: PubMed 25205138.